The following is an entry in ClinVar:

ClinVar aggregate classification (germline): Uncertain significance (1 of 4 stars; one submission).

gnomAD v4.1: 29 of 1,612,016 alleles (0.0018%); highest among the groups gnomAD compares: South Asian, 0.013%; no homozygotes.

Submission:

Women's Health and Genetics/Laboratory Corporation of America, LabCorp
Classification: Uncertain significance. Last evaluated: 2025-06-17. Review status: criteria provided, single submitter. Criteria: LabCorp Variant Classification Summary - May 2015. Collection method: clinical testing. Allele origin: germline.
Comment: Variant summary: ARHGAP31 c.*17G>C is located in the untranslated mRNA region downstream of the termination codon. The variant allele was found at a frequency of 1.8e-05 in 1605050 control chromosomes. This frequency is not significantly higher than estimated for a pathogenic variant in ARHGAP31 causing Adams-Oliver Syndrome 1, allowing no conclusion about variant significance. To our knowledge, no occurrence of c.*17G>C in individuals affected with Adams-Oliver Syndrome 1 and no experimental evidence demonstrating its impact on protein function have been reported. No submitters have cited clinical-significance assessments for this variant to ClinVar. Based on the evidence outlined above, the variant was classified as uncertain significance.

NM_020754.4(ARHGAP31):c.*17G>C

Gene: ARHGAP31 (Rho GTPase activating protein 31; plus strand). Cytogenetic location: 3q13.33.
Variant type: single nucleotide variant.
Coding change: c.*17G>C on transcript NM_020754.4 (MANE Select); 17 bases downstream of the stop codon, G replaced by C.
Molecular consequence: 3 prime UTR variant.
Genome position (GRCh38, 1-based): chr3:119,416,281, G>C. VCF-style: chr3-119416281-G-C. GRCh37 (hg19) VCF-style: chr3-119135128-G-C.
Identifiers: ClinVar variation 3907070 (VCV003907070.1).